The following is an entry in ClinVar:

ClinVar aggregate classification (germline): Uncertain significance (1 of 4 stars; one submission).

Conditions:
Multiple endocrine neoplasia, type 2 (MEN2). Identifiers: Orphanet 653, MedGen C4048306, MONDO:0019003. Disease mechanism: gain of function.

Submission:

Labcorp Genetics (formerly Invitae), Labcorp
Classification: Uncertain significance for Multiple endocrine neoplasia, type 2. Last evaluated: 2024-11-26. Review status: criteria provided, single submitter. Criteria: Invitae Variant Classification Sherloc (09022015). Collection method: clinical testing. Allele origin: germline.
Comment: This sequence change replaces proline, which is neutral and non-polar, with leucine, which is neutral and non-polar, at codon 20 of the RET protein (p.Pro20Leu). This variant is not present in population databases (gnomAD no frequency). This missense change has been observed in individual(s) with Hirschsprung disease (PMID: 7633441). ClinVar contains an entry for this variant (Variation ID: 1448380). An algorithm developed to predict the effect of missense changes on protein structure and function (PolyPhen-2) suggests that this variant is likely to be disruptive. In summary, the available evidence is currently insufficient to determine the role of this variant in disease. Therefore, it has been classified as a Variant of Uncertain Significance.

Literature cited by the submitters: PubMed 7633441.

NM_020975.6(RET):c.59C>T (p.Pro20Leu)

Gene: RET (ret proto-oncogene; plus strand). Cytogenetic location: 10q11.21.
Variant type: single nucleotide variant.
Coding change: c.59C>T on transcript NM_020975.6 (MANE Select); coding-DNA position 59, C replaced by T.
Protein change: p.Pro20Leu; replaces proline 20 with leucine.
Molecular consequence: missense variant.
Genome position (GRCh38, 1-based): chr10:43,077,317, C>T. VCF-style: chr10-43077317-C-T. GRCh37 (hg19) VCF-style: chr10-43572765-C-T.
Other names: c.59C>T, p.Pro20Leu (NM_000323.2, NM_001406743.1, NM_001406744.1 and 38 more transcripts); short protein forms P20L.
Identifiers: ClinVar variation 1448380 (VCV001448380.7), dbSNP rs1837067697, ClinGen allele CA376768105.